The following is an entry in ClinVar:

NM_001048174.2(MUTYH):c.1016C>G (p.Pro339Arg)

Gene: MUTYH (mutY DNA glycosylase; minus strand). Cytogenetic location: 1p34.1.
Variant type: single nucleotide variant.
Coding change: c.1016C>G on transcript NM_001048174.2 (MANE Select); coding-DNA position 1016, C replaced by G.
Protein change: p.Pro339Arg; replaces proline 339 with arginine.
Molecular consequence: missense variant. On other transcripts: non-coding transcript variant (2).
Genome position (GRCh38, 1-based): chr1:45,331,747, G>C on the plus strand (C>G on the coding strand, the complement: MUTYH is on the minus strand). VCF-style: chr1-45331747-G-C. GRCh37 (hg19) VCF-style: chr1-45797419-G-C.
Other names: c.1016C>G, p.Pro339Arg (NM_001048171.2, NM_001048173.2, NM_001293195.2); c.1019C>G, p.Pro340Arg (NM_001048172.2); c.1100C>G, p.Pro367Arg (NM_001128425.2); c.1061C>G, p.Pro354Arg (NM_001293190.2); c.1049C>G, p.Pro350Arg (NM_001293191.2); c.740C>G, p.Pro247Arg (NM_001293192.2, NM_001293196.2); c.671C>G, p.Pro224Arg (NM_001350650.2, NM_001350651.2); c.1091C>G, p.Pro364Arg (NM_012222.3); short protein forms P367R, P339R, P364R, P247R, P350R, P354R, P224R, P340R.
Identifiers: ClinVar variation 230018 (VCV000230018.8), dbSNP rs764941200, ClinGen allele CA10577715.

ClinVar aggregate classification (germline): Conflicting classifications of pathogenicity. Review status: criteria provided, conflicting classifications (1 of 4 stars). 2 submissions from 2 submitters: Uncertain significance (1); Likely benign (1). Last evaluated 2025-08-19.

Conditions:
Hereditary cancer-predisposing syndrome. Also called: Tumor predisposition; Hereditary Cancer Syndrome; Neoplastic Syndromes, Hereditary; Hereditary neoplastic syndrome. Identifiers: Orphanet 140162, MedGen C0027672, MeSH D009386, MONDO:0015356.
Familial adenomatous polyposis 2. Also called: MYH-associated polyposis; FAP type 2; ADENOMAS, MULTIPLE COLORECTAL, AUTOSOMAL RECESSIVE; MUTYH Polyposis; MUTYH-associated polyposis; MUTYH-related attenuated familial adenomatous polyposis. Identifiers: Orphanet 220460, Orphanet 247798, MedGen C3272841, MONDO:0012041, OMIM 608456.

Allele frequency attached by ClinVar (database versions not stated): gnomAD exomes below 0.00001.
gnomAD v4.1: 2 of 1,614,116 alleles (0.00012%); highest among the groups gnomAD compares: Non-Finnish European, 0.000085%; no homozygotes.

Submissions (2):

Ambry Genetics
Classification: Likely benign for Hereditary cancer-predisposing syndrome. Last evaluated: 2025-08-19. Review status: criteria provided, single submitter. Criteria: Ambry Variant Classification Scheme 2023. Collection method: clinical testing. Allele origin: germline.

Labcorp Genetics (formerly Invitae), Labcorp
Classification: Uncertain significance for Familial adenomatous polyposis 2. Last evaluated: 2025-07-08. Review status: criteria provided, single submitter. Criteria: Invitae Variant Classification Sherloc (09022015). Collection method: clinical testing. Allele origin: germline.
Comment: This sequence change replaces proline, which is neutral and non-polar, with arginine, which is basic and polar, at codon 367 of the MUTYH protein (p.Pro367Arg). This variant is not present in population databases (gnomAD no frequency). This variant has not been reported in the literature in individuals affected with MUTYH-related conditions. ClinVar contains an entry for this variant (Variation ID: 230018). An algorithm developed to predict the effect of missense changes on protein structure and function (PolyPhen-2) suggests that this variant is likely to be tolerated. In summary, the available evidence is currently insufficient to determine the role of this variant in disease. Therefore, it has been classified as a Variant of Uncertain Significance.